The following is an entry in ClinVar:

ClinVar aggregate classification (germline): Uncertain significance (1 of 4 stars; one submission).

Submission:

Labcorp Genetics (formerly Invitae), Labcorp
Classification: Uncertain significance. Last evaluated: 2024-04-30. Review status: criteria provided, single submitter. Criteria: Invitae Variant Classification Sherloc (09022015). Collection method: clinical testing. Allele origin: germline.
Comment: This sequence change replaces arginine, which is basic and polar, with serine, which is neutral and polar, at codon 69 of the CA4 protein (p.Arg69Ser). This variant is present in population databases (rs200180434, gnomAD 0.003%). This variant has not been reported in the literature in individuals affected with CA4-related conditions. Advanced modeling of protein sequence and biophysical properties (such as structural, functional, and spatial information, amino acid conservation, physicochemical variation, residue mobility, and thermodynamic stability) performed at Invitae indicates that this missense variant is not expected to disrupt CA4 protein function with a negative predictive value of 80%. This variant disrupts the p.Arg69 amino acid residue in CA4. Other variant(s) that disrupt this residue have been determined to be pathogenic (PMID: 17652713, 19211803). This suggests that this residue is clinically significant, and that variants that disrupt this residue are likely to be disease-causing. In summary, the available evidence is currently insufficient to determine the role of this variant in disease. Therefore, it has been classified as a Variant of Uncertain Significance.

Literature cited by the submitters: PubMed 17652713; PubMed 19211803.

NM_000717.5(CA4):c.205C>A (p.Arg69Ser)

Gene: CA4 (carbonic anhydrase 4; plus strand). Cytogenetic location: 17q23.1.
Variant type: single nucleotide variant.
Coding change: c.205C>A on transcript NM_000717.5 (MANE Select); coding-DNA position 205, C replaced by A.
Protein change: p.Arg69Ser; replaces arginine 69 with serine.
Molecular consequence: missense variant. On other transcripts: non-coding transcript variant (1).
Genome position (GRCh38, 1-based): chr17:60,156,652, C>A. VCF-style: chr17-60156652-C-A. GRCh37 (hg19) VCF-style: chr17-58234013-C-A.
Other names: short protein forms R69S.
Identifiers: ClinVar variation 3695056 (VCV003695056.2).